The following is an entry in ClinVar:

ClinVar aggregate classification (germline): Uncertain significance (1 of 4 stars; one submission).

Conditions:
ANKRD1-related dilated cardiomyopathy. Identifiers: MedGen CN119551.

Allele frequency attached by ClinVar (database versions not stated): gnomAD exomes below 0.00001.
gnomAD v4.1: 2 of 1,614,078 alleles (0.00012%); highest among the groups gnomAD compares: Non-Finnish European, 0.00017%; no homozygotes.

Submission:

Labcorp Genetics (formerly Invitae), Labcorp
Classification: Uncertain significance for ANKRD1-related dilated cardiomyopathy. Last evaluated: 2022-09-28. Review status: criteria provided, single submitter. Criteria: Invitae Variant Classification Sherloc (09022015). Collection method: clinical testing. Allele origin: germline.
Comment: This sequence change replaces aspartic acid, which is acidic and polar, with asparagine, which is neutral and polar, at codon 290 of the ANKRD1 protein (p.Asp290Asn). This variant is not present in population databases (gnomAD no frequency). This variant has not been reported in the literature in individuals affected with ANKRD1-related conditions. ClinVar contains an entry for this variant (Variation ID: 477613). Advanced modeling of protein sequence and biophysical properties (such as structural, functional, and spatial information, amino acid conservation, physicochemical variation, residue mobility, and thermodynamic stability) performed at Invitae indicates that this missense variant is not expected to disrupt ANKRD1 protein function. In summary, the available evidence is currently insufficient to determine the role of this variant in disease. Therefore, it has been classified as a Variant of Uncertain Significance.

NM_014391.3(ANKRD1):c.868G>A (p.Asp290Asn)

Gene: ANKRD1 (ankyrin repeat domain 1; minus strand). Cytogenetic location: 10q23.31.
Variant type: single nucleotide variant.
Coding change: c.868G>A on transcript NM_014391.3 (MANE Select); coding-DNA position 868, G replaced by A.
Protein change: p.Asp290Asn; replaces aspartic acid 290 with asparagine.
Molecular consequence: missense variant.
Genome position (GRCh38, 1-based): chr10:90,912,958, C>T on the plus strand (G>A on the coding strand, the complement: ANKRD1 is on the minus strand). VCF-style: chr10-90912958-C-T. GRCh37 (hg19) VCF-style: chr10-92672715-C-T.
Other names: short protein forms D290N.
Identifiers: ClinVar variation 477613 (VCV000477613.5), dbSNP rs1554827420, ClinGen allele CA377547923.